The following is an entry in ClinVar:

ClinVar aggregate classification (germline): Uncertain significance (1 of 4 stars; one submission).

Conditions:
Alstrom syndrome (ALMS). Identifiers: Orphanet 64, MedGen C0268425, MONDO:0008763, OMIM 203800.

Submission:

Labcorp Genetics (formerly Invitae), Labcorp
Classification: Uncertain significance for Alstrom syndrome. Last evaluated: 2021-06-16. Review status: criteria provided, single submitter. Criteria: Invitae Variant Classification Sherloc (09022015). Collection method: clinical testing. Allele origin: germline.
Comment: This sequence change replaces serine with glycine at codon 221 of the ALMS1 protein (p.Ser221Gly). The serine residue is moderately conserved and there is a small physicochemical difference between serine and glycine. This variant is not present in population databases (ExAC no frequency). This variant has not been reported in the literature in individuals with ALMS1-related conditions. Experimental studies and prediction algorithms are not available or were not evaluated, and the functional significance of this variant is currently unknown. In summary, the available evidence is currently insufficient to determine the role of this variant in disease. Therefore, it has been classified as a Variant of Uncertain Significance.

NM_001378454.1(ALMS1):c.658A>G (p.Ser220Gly)

Gene: ALMS1 (ALMS1 centrosome and basal body associated protein; plus strand). Cytogenetic location: 2p13.1.
Variant type: single nucleotide variant.
Coding change: c.658A>G on transcript NM_001378454.1 (MANE Select); coding-DNA position 658, A replaced by G.
Protein change: p.Ser220Gly; replaces serine 220 with glycine.
Molecular consequence: missense variant.
Genome position (GRCh38, 1-based): chr2:73,422,868, A>G. VCF-style: chr2-73422868-A-G. GRCh37 (hg19) VCF-style: chr2-73649996-A-G.
Other names: c.661A>G, p.Ser221Gly (NM_015120.4); short protein forms S220G, S221G.
Identifiers: ClinVar variation 1388027 (VCV001388027.3), dbSNP rs2103710382, ClinGen allele CA347259950.